The following is an entry in ClinVar:

NM_000292.3(PHKA2):c.3599_3601del (p.Phe1200del)

Genes: PHKA2 (phosphorylase kinase regulatory subunit alpha 2; minus strand), PHKA2-AS1 (PHKA2 antisense RNA 1; plus strand). Cytogenetic location: Xp22.13.
Variant type: Deletion.
Coding change: c.3599_3601del on transcript NM_000292.3 (MANE Select); coding-DNA positions 3599 to 3601, 3 bases deleted (TTT; older notation c.3599_3601delTTT).
Protein change: p.Phe1200del; deletes phenylalanine 1200.
Molecular consequence: inframe deletion.
Genome position (GRCh38, 1-based): chrX:18,893,592-18,893,594, AAA deleted on the plus strand (TTT on the coding strand, the reverse complement: PHKA2 is on the minus strand); deleting any 3 consecutive bases within chrX:18,893,592-18,893,595 gives the same sequence; the c. name uses the placement nearest the transcript's 3' end. VCF-style (leftmost placement, unchanged base first): chrX-18893591-TAAA-T. GRCh37 (hg19) VCF-style: chrX-18911709-TAAA-T.
Other names: short protein forms F1200del.
Identifiers: ClinVar variation 420714 (VCV000420714.2), dbSNP rs1064794657, ClinGen allele CA16621290.

ClinVar aggregate classification (germline): Likely pathogenic (1 of 4 stars; one submission).

Submission:

GeneDx
Classification: Likely pathogenic. Last evaluated: 2018-02-09. Review status: criteria provided, single submitter. Criteria: GeneDx Variant Classification (06012015). Collection method: clinical testing. Allele origin: germline. Affected: yes.
Comment: The c.3599_3601delTTT variant in the PHKA2 gene has not been reported previously as a pathogenic variant, nor as a benign variant, to our knowledge. The c.3599_3601delTTT variant is an in-frame deletion that results in the loss of a single Phenylalanine residue, denoted p.Phe1200del. The residue removed by this deletion is conserved across species. In silico analysis predicts this deletion is probably damaging to the protein structure/function. This variant was not observed in approximately 6,500 individuals of European and African American ancestry in the NHLBI Exome Sequencing Project, indicating it is not a common benign variant in these populations. We interpret c.3599_3601delTTT as a likely pathogenic variant.